The following is an entry in ClinVar:

NM_001349253.2(SCN11A):c.2359T>C (p.Cys787Arg)

Gene: SCN11A (sodium voltage-gated channel alpha subunit 11; minus strand). Cytogenetic location: 3p22.2.
Variant type: single nucleotide variant.
Coding change: c.2359T>C on transcript NM_001349253.2 (MANE Select); coding-DNA position 2359, T replaced by C.
Protein change: p.Cys787Arg; replaces cysteine 787 with arginine.
Molecular consequence: missense variant.
Genome position (GRCh38, 1-based): chr3:38,896,889, A>G on the plus strand (T>C on the coding strand, the complement: SCN11A is on the minus strand). VCF-style: chr3-38896889-A-G. GRCh37 (hg19) VCF-style: chr3-38938380-A-G.
Other names: c.2359T>C, p.Cys787Arg (NM_014139.3); short protein forms C787R.
Identifiers: ClinVar variation 706150 (VCV000706150.12), dbSNP rs758506159, ClinGen allele CA2322077.
Genomic context (GRCh38, chr3:38,896,889, plus strand): 5'-AATCTAAGACACATACCACAAGTTTTCCTATCACCGTGATCAATATGAAGACAATAACAC[A>G]CAATGATGATGATGCATTCGCTTCTTGCATACATTCCCACATATTTTCGATCCATTCCCC-3'
Protein context (NP_001336182.1, residues 777-797): MQEANASSSL[Cys787Arg]VIVFILITVI

ClinVar aggregate classification (germline): Conflicting classifications of pathogenicity. Review status: criteria provided, conflicting classifications (1 of 4 stars). 4 submissions from 4 submitters: Uncertain significance (1); Benign (1); Likely benign (2). Last evaluated 2026-05-13.

Conditions:
Familial episodic pain syndrome with predominantly lower limb involvement. Also called: Episodic pain syndrome, familial, 3. Identifiers: Orphanet 391384, Orphanet 391392, MedGen C3809899, MONDO:0014247, OMIM 615552.
Hereditary sensory and autonomic neuropathy type 7. Also called: HSAN VII; Neuropathy, hereditary sensory and autonomic, type VII. Identifiers: Orphanet 391397, MedGen C3809882, MONDO:0014244, OMIM 615548.
SCN11A-related disorder. Also called: SCN11A-related condition.

Allele frequency attached by ClinVar (database versions not stated): gnomAD 0.00001; gnomAD exomes 0.00012 and 0.00031; TOPMed 0.00012; ExAC 0.00033.
gnomAD v4.1: 80 of 1,612,100 alleles (0.005%); highest among the groups gnomAD compares: Admixed American, 0.12%; no homozygotes.

Submissions (4):

PreventionGenetics, part of Exact Sciences
Classification: Likely benign for SCN11A-related condition. Last evaluated: 2026-05-13. Review status: criteria provided, single submitter. Criteria: ACMG Guidelines, 2015. Collection method: clinical testing. Allele origin: germline.
Comment: This variant is classified as likely benign based on ACMG/AMP sequence variant interpretation guidelines (Richards et al. 2015 PMID: 25741868, with internal and published modifications).

Labcorp Genetics (formerly Invitae), Labcorp
Classification: Likely benign for Familial episodic pain syndrome with predominantly lower limb involvement; Hereditary sensory and autonomic neuropathy type 7. Last evaluated: 2025-04-13. Review status: criteria provided, single submitter. Criteria: Invitae Variant Classification Sherloc (09022015). Collection method: clinical testing. Allele origin: germline.

GeneDx
Classification: Benign. Last evaluated: 2020-04-22. Review status: criteria provided, single submitter. Criteria: GeneDx Variant Classification Process June 2021. Collection method: clinical testing. Allele origin: germline. Affected: yes.

Baylor Genetics
Classification: Uncertain significance for Familial episodic pain syndrome with predominantly lower limb involvement. Last evaluated: 2018-04-26. Review status: criteria provided, single submitter. Criteria: ACMG Guidelines, 2015. Collection method: clinical testing. Allele origin: unknown. Affected: yes.
Comment: This variant was determined to be of uncertain significance according to ACMG Guidelines, 2015 [PMID:25741868].